The following is an entry in ClinVar:

NM_003849.4(SUCLG1):c.247G>C (p.Val83Leu)

Gene: SUCLG1 (succinate-CoA ligase GDP/ADP-forming subunit alpha; minus strand). Cytogenetic location: 2p11.2.
Variant type: single nucleotide variant.
Coding change: c.247G>C on transcript NM_003849.4 (MANE Select); coding-DNA position 247, G replaced by C.
Protein change: p.Val83Leu; replaces valine 83 with leucine.
Molecular consequence: missense variant.
Genome position (GRCh38, 1-based): chr2:84,443,355, C>G on the plus strand (G>C on the coding strand, the complement: SUCLG1 is on the minus strand). VCF-style: chr2-84443355-C-G. GRCh37 (hg19) VCF-style: chr2-84670479-C-G.
Other names: short protein forms V83L.
Identifiers: ClinVar variation 1408093 (VCV001408093.3), dbSNP rs539350409, ClinGen allele CA1736366.
Genomic context (GRCh38, chr2:84,443,355, plus strand): 5'-TATTAAAGACAGGTAAGCCCAGATGTGTCTGGCCTCCTTTCCCTGGAGTGGTTCCTCCAA[C>G]GAGTTTGGTGCCATATTCCAATGCCTGCTGGCTGTGAAAGGTGCCCTGAGGGGAAAAAGC-3'
Protein context (NP_003840.2, residues 73-93): QQALEYGTKL[Val83Leu]GGTTPGKGGQ

ClinVar aggregate classification (germline): Uncertain significance (1 of 4 stars; one submission).

Conditions:
Mitochondrial DNA depletion syndrome 9 (MTDPS9). Also called: SUCLG1-Related Mitochondrial DNA Depletion Syndrome, Encephalomyopathic Form with Methylmalonic Aciduria. Identifiers: Orphanet 17, MedGen C3151476, MONDO:0009504, OMIM 245400.

Allele frequency attached by ClinVar (database versions not stated): gnomAD 0.00001.
gnomAD v4.1: 34 of 1,614,158 alleles (0.0021%); highest among the groups gnomAD compares: Admixed American, 0.032%; no homozygotes.

Submission:

Labcorp Genetics (formerly Invitae), Labcorp
Classification: Uncertain significance for Mitochondrial DNA depletion syndrome 9. Last evaluated: 2022-06-22. Review status: criteria provided, single submitter. Criteria: Invitae Variant Classification Sherloc (09022015). Collection method: clinical testing. Allele origin: germline.
Comment: This sequence change replaces valine, which is neutral and non-polar, with leucine, which is neutral and non-polar, at codon 83 of the SUCLG1 protein (p.Val83Leu). This variant is present in population databases (rs539350409, gnomAD 0.03%). This variant has not been reported in the literature in individuals affected with SUCLG1-related conditions. Algorithms developed to predict the effect of missense changes on protein structure and function are either unavailable or do not agree on the potential impact of this missense change (SIFT: "Deleterious"; PolyPhen-2: "Benign"; Align-GVGD: "Class C25"). In summary, the available evidence is currently insufficient to determine the role of this variant in disease. Therefore, it has been classified as a Variant of Uncertain Significance.